The following is an entry in ClinVar:

NM_002615.7(SERPINF1):c.397dup (p.Gln133fs)

Gene: SERPINF1 (serpin family F member 1; plus strand). Cytogenetic location: 17p13.3.
Variant type: Duplication.
Coding change: c.397dup on transcript NM_002615.7 (MANE Select); coding-DNA position 397, one base duplicated (C; older notation c.397dupC).
Protein change: p.Gln133fs; shifts the reading frame from glutamine 133.
Molecular consequence: frameshift variant. On other transcripts: 5 prime UTR variant (1).
Genome position (GRCh38, 1-based): chr17:1,771,142, C duplicated; the last of 6 consecutive C bases (chr17:1,771,137-1,771,142); duplicating any one gives the same sequence. VCF-style (leftmost placement, unchanged base first): chr17-1771136-G-GC. GRCh37 (hg19) VCF-style: chr17-1674430-G-GC.
Other names: c.397dup, p.Gln133fs (NM_001329903.2); c.-165dup (NM_001329904.2); short protein forms Q133fs.
Identifiers: ClinVar variation 1723407 (VCV001723407.1), dbSNP rs1907706259, ClinGen allele CA624565072.
Genomic context (GRCh38, chr17:1,771,136, plus strand): 5'-GACTTGATCAGCAGCCCAGACATCCATGGTACCTATAAGGAGCTCCTTGACACGGTCACT[G>GC]CCCCCCAGAAGAACCTCAAGAGTGCCTCCCGGATCGTCTTTGAGAAGAGTGAGTCGCCTT-3'

ClinVar aggregate classification (germline): Likely pathogenic (1 of 4 stars; one submission).

Conditions:
Osteogenesis imperfecta (OI). Identifiers: Orphanet 666, MedGen C0029434, MeSH D010013, MONDO:0019019.

Submission:

Women's Health and Genetics/Laboratory Corporation of America, LabCorp
Classification: Likely pathogenic for Osteogenesis imperfecta. Last evaluated: 2022-10-28. Review status: criteria provided, single submitter. Criteria: LabCorp Variant Classification Summary - May 2015. Collection method: clinical testing. Allele origin: germline.
Comment: Variant summary: SERPINF1 c.397dupC (p.Gln133ProfsX13) results in a premature termination codon, predicted to cause a truncation of the encoded protein or absence of the protein due to nonsense mediated decay, which are commonly known mechanisms for disease. The variant was absent in 251420 control chromosomes (gnomAD). To our knowledge, no occurrence of c.397dupC in individuals affected with Osteogenesis Imperfecta and no experimental evidence demonstrating its impact on protein function have been reported. No clinical diagnostic laboratories have submitted clinical-significance assessments for this variant to ClinVar after 2014. Based on the evidence outlined above, the variant was classified as likely pathogenic.